The following is an entry in ClinVar:

ClinVar aggregate classification (germline): Conflicting classifications of pathogenicity. Review status: criteria provided, conflicting classifications (1 of 4 stars). 4 submissions from 4 submitters: Uncertain significance (2); Likely benign (2). Last evaluated 2025-01-07.

Conditions:
Cardiovascular phenotype. Identifiers: MedGen CN230736.
Arrhythmogenic right ventricular cardiomyopathy (ARVD). Also called: Arrhythmogenic cardiomyopathy; Cardiomyopathy, ARVC; Arrhythmogenic right ventricular dysplasia; Arrhythmogenic Right Ventricular Cardiomyopathy (ARVC). Identifiers: Orphanet 247, MedGen C0349788, MeSH D019571, MONDO:0016587. Disease mechanism: loss of function. Inheritance: Various modes of inheritance.
Cardiomyopathy (CMYO). Also called: Cardiomyopathies. Identifiers: Orphanet 167848, MedGen C0878544, MONDO:0004994, HP:0001638. Inheritance: Various modes of inheritance.
Arrhythmogenic right ventricular dysplasia 10. Also called: Arrhythmogenic Right Ventricular Dysplasia/Cardiomyopathy10; ARRHYTHMOGENIC RIGHT VENTRICULAR DYSPLASIA, FAMILIAL, 10; Arrhythmogenic right ventricular dysplasia/cardiomyopathy, type 10. Identifiers: MedGen C1857777, MONDO:0012434, OMIM 610193.

Allele frequency attached by ClinVar (database versions not stated): ExAC 0.00003; TOPMed 0.00003.
gnomAD v4.1: 38 of 1,613,720 alleles (0.0024%); highest among the groups gnomAD compares: East Asian, 0.058%; no homozygotes.

Submissions (4):

Color Diagnostics, LLC DBA Color Health
Classification: Likely benign for Cardiomyopathy. Last evaluated: 2025-01-07. Review status: criteria provided, single submitter. Criteria: ACMG Guidelines, 2015. Collection method: clinical testing. Allele origin: germline.

Labcorp Genetics (formerly Invitae), Labcorp
Classification: Uncertain significance for Arrhythmogenic right ventricular dysplasia 10. Last evaluated: 2024-10-18. Review status: criteria provided, single submitter. Criteria: Invitae Variant Classification Sherloc (09022015). Collection method: clinical testing. Allele origin: germline.
Comment: This sequence change replaces alanine, which is neutral and non-polar, with threonine, which is neutral and polar, at codon 748 of the DSG2 protein (p.Ala748Thr). This variant is present in population databases (rs763994831, gnomAD 0.02%). This variant has not been reported in the literature in individuals affected with DSG2-related conditions. ClinVar contains an entry for this variant (Variation ID: 918958). Invitae Evidence Modeling of protein sequence and biophysical properties (such as structural, functional, and spatial information, amino acid conservation, physicochemical variation, residue mobility, and thermodynamic stability) indicates that this missense variant is not expected to disrupt DSG2 protein function with a negative predictive value of 95%. In summary, the available evidence is currently insufficient to determine the role of this variant in disease. Therefore, it has been classified as a Variant of Uncertain Significance.

All of Us Research Program, National Institutes of Health
Classification: Uncertain significance for Arrhythmogenic right ventricular cardiomyopathy. Last evaluated: 2024-02-05. Review status: criteria provided, single submitter. Criteria: ACMG Guidelines, 2015. Collection method: clinical testing. Allele origin: germline. Inheritance: Autosomal dominant inheritance. Observed: 7 variant alleles, 7 heterozygotes.
Comment: This missense variant replaces alanine with threonine at codon 748 of the DSG2 protein. Computational prediction suggests that this variant may not impact protein structure and function (internally defined REVEL score threshold <= 0.5, PMID: 27666373). To our knowledge, functional studies have not been reported for this variant. This variant has not been reported in individuals affected with cardiovascular disorders in the literature. This variant has been identified in 6/249158 chromosomes in the general population by the Genome Aggregation Database (gnomAD). The available evidence is insufficient to determine the role of this variant in disease conclusively. Therefore, this variant is classified as a Variant of Uncertain Significance.

This study involves interpretation of variants in research participants for the purpose of population health screening. Participant phenotype was not available at the time of variant classification. Additional details can be found in publication PMID: 35346344, PMCID: PMC8962531

Ambry Genetics
Classification: Likely benign for Cardiovascular phenotype. Last evaluated: 2019-10-02. Review status: criteria provided, single submitter. Criteria: Ambry Variant Classification Scheme 2023. Collection method: clinical testing. Allele origin: germline.

NM_001943.5(DSG2):c.2242G>A (p.Ala748Thr)

Genes: DSG2 (desmoglein 2; plus strand), DSG2-AS1 (DSG2 antisense RNA 1; minus strand). Cytogenetic location: 18q12.1.
Variant type: single nucleotide variant.
Coding change: c.2242G>A on transcript NM_001943.5 (MANE Select); coding-DNA position 2242, G replaced by A.
Protein change: p.Ala748Thr; replaces alanine 748 with threonine.
Molecular consequence: missense variant.
Genome position (GRCh38, 1-based): chr18:31,542,760, G>A. VCF-style: chr18-31542760-G-A. GRCh37 (hg19) VCF-style: chr18-29122723-G-A.
Other names: short protein forms A748T.
Identifiers: ClinVar variation 918958 (VCV000918958.13), dbSNP rs763994831, ClinGen allele CA045326.
Genomic context (GRCh38, chr18:31,542,760, plus strand): 5'-AGAGCTACCCAGTTTACAGGGGCCACAGGCGCTATCATGACCACTGAAACCACGAAGACC[G>A]CAAGGGCCACAGGGGCTTCCAGAGACATGGCCGGAGCTCAGGCAGCTGCTGTTGCACTGA-3'
Protein context (NP_001934.2, residues 738-758): AIMTTETTKT[Ala748Thr]RATGASRDMA